The following is an entry in ClinVar:

ClinVar aggregate classification (germline): Conflicting classifications of pathogenicity. Review status: criteria provided, conflicting classifications (1 of 4 stars). 4 submissions from 3 submitters: Pathogenic (1); Uncertain significance (3). Last evaluated 2025-04-18.

Conditions:
Multiple acyl-CoA dehydrogenase deficiency (MADD). Also called: Glutaric Acidemia type 2; ETHYLMALONIC-ADIPICACIDURIA; GA II; Glutaric aciduria, type 2; Glutaric acidemia type II; GA 2. Identifiers: Orphanet 26791, MedGen C0268596, MONDO:0009282, OMIM 231680.
Glutaric acidemia IIc. Also called: ETFDH deficiency. Identifiers: MedGen C3278156, MONDO:0700076.

Allele frequency attached by ClinVar (database versions not stated): gnomAD exomes below 0.00001; ExAC 0.00001; TOPMed 0.00002; gnomAD 0.00003.

Submissions (4):

Women's Health and Genetics/Laboratory Corporation of America, LabCorp
Classification: Uncertain significance. Last evaluated: 2025-04-18. Review status: criteria provided, single submitter. Criteria: LabCorp Variant Classification Summary - May 2015. Collection method: clinical testing. Allele origin: germline.
Comment: Variant summary: ETFB c.274C>T (p.Pro92Ser) results in a non-conservative amino acid change located in the ETF beta domain (IPR033948) of the encoded protein sequence. Four of five in-silico tools predict a benign effect of the variant on protein function. The variant allele was found at a frequency of 4e-06 in 251082 control chromosomes. c.274C>T has been observed in individual(s) affected with Glutaric Aciduria, Type 2b (Monies_2023, Alfares_2017). These data indicate that the variant may be associated with disease. To our knowledge, no experimental evidence demonstrating an impact on protein function has been reported. The following publications have been ascertained in the context of this evaluation (PMID: 28454995, 37344829). ClinVar contains an entry for this variant (Variation ID: 1030500). Based on the evidence outlined above, the variant was classified as VUS-possibly pathogenic.

Genomic Medicine Center of Excellence, King Faisal Specialist Hospital and Research Centre
Classification: Uncertain significance for Glutaric acidemia IIC. Last evaluated: 2024-03-14. Review status: criteria provided, single submitter. Criteria: ACMG Guidelines, 2015. Collection method: clinical testing. Allele origin: germline.

Genomic Medicine Center of Excellence, King Faisal Specialist Hospital and Research Centre
Classification: Pathogenic for Multiple acyl-CoA dehydrogenase deficiency. Last evaluated: 2023-05-08. Review status: criteria provided, single submitter. Criteria: ACMG Guidelines, 2015. Collection method: research. Allele origin: germline. Affected: yes.

Baylor Genetics
Classification: Uncertain significance for Multiple acyl-CoA dehydrogenase deficiency. Last evaluated: 2019-12-09. Review status: criteria provided, single submitter. Criteria: ACMG Guidelines, 2015. Collection method: clinical testing. Allele origin: unknown. Affected: yes.
Comment: This variant was determined to be of uncertain significance according to ACMG Guidelines, 2015 [PMID:25741868].

Literature cited by the submitters: PubMed 28454995 (cited by Women's Health and Genetics/Laboratory Corporation of America, LabCorp); PubMed 37344829 (cited by Women's Health and Genetics/Laboratory Corporation of America, LabCorp).

NM_001985.3(ETFB):c.274C>T (p.Pro92Ser)

Gene: ETFB (electron transfer flavoprotein subunit beta; minus strand). Cytogenetic location: 19q13.41.
Variant type: single nucleotide variant.
Coding change: c.274C>T on transcript NM_001985.3 (MANE Select); coding-DNA position 274, C replaced by T.
Protein change: p.Pro92Ser; replaces proline 92 with serine.
Molecular consequence: missense variant.
Genome position (GRCh38, 1-based): chr19:51,353,233, G>A on the plus strand (C>T on the coding strand, the complement: ETFB is on the minus strand). VCF-style: chr19-51353233-G-A. GRCh37 (hg19) VCF-style: chr19-51856487-G-A.
Other names: c.547C>T, p.Pro183Ser (NM_001014763.1); short protein forms P183S, P92S.
Identifiers: ClinVar variation 1030500 (VCV001030500.5), dbSNP rs758509148, ClinGen allele CA9610806.